The following is an entry in ClinVar:

ClinVar aggregate classification (germline): Pathogenic (1 of 4 stars; one submission).

Submission:

Labcorp Genetics (formerly Invitae), Labcorp
Classification: Pathogenic. Last evaluated: 2022-03-23. Review status: criteria provided, single submitter. Criteria: Invitae Variant Classification Sherloc (09022015). Collection method: clinical testing. Allele origin: germline.
Comment: For these reasons, this variant has been classified as Pathogenic. This variant disrupts a region of the RDH5 protein in which other variant(s) (p.Arg280His) have been determined to be pathogenic (PMID: 10617778, 11053295, 11675386, 15007239). This suggests that this is a clinically significant region of the protein, and that variants that disrupt it are likely to be disease-causing. This variant has not been reported in the literature in individuals affected with RDH5-related conditions. This variant is not present in population databases (gnomAD no frequency). This sequence change creates a premature translational stop signal (p.Lys247*) in the RDH5 gene. While this is not anticipated to result in nonsense mediated decay, it is expected to disrupt the last 72 amino acid(s) of the RDH5 protein.

Literature cited by the submitters: PubMed 10617778; PubMed 11053295; PubMed 11675386; PubMed 15007239.

NM_002905.5(RDH5):c.739A>T (p.Lys247Ter)

Genes: BLOC1S1-RDH5 (BLOC1S1-RDH5 readthrough; plus strand), CD63 (CD63 molecule; minus strand), RDH5 (retinol dehydrogenase 5; plus strand). Cytogenetic location: 12q13.2.
Variant type: single nucleotide variant.
Coding change: c.739A>T on transcript NM_002905.5 (MANE Select); coding-DNA position 739, A replaced by T.
Protein change: p.Lys247Ter; replaces lysine 247 with a stop codon.
Molecular consequence: nonsense. On other transcripts: non-coding transcript variant (1), 3 prime UTR variant (2).
Genome position (GRCh38, 1-based): chr12:55,724,327, A>T. VCF-style: chr12-55724327-A-T. GRCh37 (hg19) VCF-style: chr12-56118111-A-T.
Other names: c.739A>T, p.Lys247Ter (NM_001199771.3); c.*737T>A (NM_001413284.1); c.*752T>A (NM_001413285.1); short protein forms K247*.
Identifiers: ClinVar variation 2116029 (VCV002116029.4), dbSNP rs765110211, ClinGen allele CA385202995.
Genomic context (GRCh38, chr12:55,724,327, plus strand): 5'-AAGATGGGCTGGAGTGAGGAAGGGAAACTGATTGCAACCACCTATGGGGCTGCAGACCTG[A>T]AAATGCAACAGCGCATCATGAACCTGATCTGTGACCCGGACCTAACCAAGGTGAGCCGAT-3'